The following is an entry in ClinVar:

NM_170606.3(KMT2C):c.3426G>A (p.Ala1142=)

Gene: KMT2C (lysine methyltransferase 2C; minus strand). Cytogenetic location: 7q36.1.
Variant type: single nucleotide variant.
Coding change: c.3426G>A on transcript NM_170606.3 (MANE Select); coding-DNA position 3426, G replaced by A.
Protein change: p.Ala1142=; no amino-acid change (alanine 1142 retained).
Molecular consequence: synonymous variant.
Genome position (GRCh38, 1-based): chr7:152,222,580, C>T on the plus strand (G>A on the coding strand, the complement: KMT2C is on the minus strand). VCF-style: chr7-152222580-C-T. GRCh37 (hg19) VCF-style: chr7-151919665-C-T.
Identifiers: ClinVar variation 4898594 (VCV004898594.2).
Genomic context (GRCh38, chr7:152,222,580, plus strand): 5'-GTGCAAGTGAGTGGTACAAGAGTGCAGACTCACAGTTTAAATTATTCTCTTACCATTAGA[C>T]GCAGGCATATAGGGTCTGCACATGCTACAATCAAAACCAATGTCTGCTACATTTTCCACT-3'
Protein context (NP_733751.2, residues 1132-1152): DCSMCRPYMP[Ala1142=]SNVPSSDCCE

ClinVar aggregate classification (germline): Likely benign. Review status: criteria provided, multiple submitters, no conflicts (2 of 4 stars). 2 submissions from 2 submitters: Likely benign (2). Last evaluated 2026-09-01.

gnomAD v4.1: 409 of 1,557,750 alleles (0.026%); highest among the groups gnomAD compares: Admixed American, 0.057%; no homozygotes.

Submissions (2):

CeGaT Center for Human Genetics Tuebingen
Classification: Likely benign. Last evaluated: 2026-09-01. Review status: criteria provided, single submitter. Criteria: CeGaT Center For Human Genetics Tuebingen Variant Classification Criteria Version 2. Collection method: clinical testing. Allele origin: germline. Affected: yes. Observed: 1 variant allele.
Comment: KMT2C: BP4, BP7

Blueprint Genetics
Classification: Likely benign. Last evaluated: 2024-04-10. Review status: criteria provided, single submitter. Criteria: ACMG Guidelines, 2015. Collection method: clinical testing. Allele origin: germline.